The following is an entry in ClinVar:

NM_002294.3(LAMP2):c.719A>C (p.Gln240Pro)

Gene: LAMP2 (lysosome associated membrane protein 2; minus strand). Cytogenetic location: Xq24.
Variant type: single nucleotide variant.
Coding change: c.719A>C on transcript NM_002294.3 (MANE Select); coding-DNA position 719, A replaced by C.
Protein change: p.Gln240Pro; replaces glutamine 240 with proline.
Molecular consequence: missense variant.
Genome position (GRCh38, 1-based): chrX:120,447,863, T>G on the plus strand (A>C on the coding strand, the complement: LAMP2 is on the minus strand). VCF-style: chrX-120447863-T-G. GRCh37 (hg19) VCF-style: chrX-119581718-T-G.
Other names: c.719A>C, p.Gln240Pro (NM_001122606.1, NM_013995.2); short protein forms Q240P.
Identifiers: ClinVar variation 2087243 (VCV002087243.4), dbSNP rs2520883679, ClinGen allele CA414401221.

ClinVar aggregate classification (germline): Uncertain significance (1 of 4 stars; one submission).

Conditions:
Danon disease. Also called: Glycogen Storage Disease Type IIb; ANTOPOL DISEASE; PSEUDOGLYCOGENOSIS II; GSD IIb; LYSOSOMAL GLYCOGEN STORAGE DISEASE WITHOUT ACID MALTASE DEFICIENCY. Identifiers: Orphanet 34587, MedGen C0878677, MONDO:0010281, OMIM 300257.

Submission:

Labcorp Genetics (formerly Invitae), Labcorp
Classification: Uncertain significance for Danon disease. Last evaluated: 2022-03-08. Review status: criteria provided, single submitter. Criteria: Invitae Variant Classification Sherloc (09022015). Collection method: clinical testing. Allele origin: germline.
Comment: In summary, the available evidence is currently insufficient to determine the role of this variant in disease. Therefore, it has been classified as a Variant of Uncertain Significance. Algorithms developed to predict the effect of missense changes on protein structure and function are either unavailable or do not agree on the potential impact of this missense change (SIFT: "Deleterious"; PolyPhen-2: "Probably Damaging"; Align-GVGD: "Class C0"). This variant has not been reported in the literature in individuals affected with LAMP2-related conditions. This variant is not present in population databases (gnomAD no frequency). This sequence change replaces glutamine, which is neutral and polar, with proline, which is neutral and non-polar, at codon 240 of the LAMP2 protein (p.Gln240Pro).